The following is an entry in ClinVar:

ClinVar aggregate classification (germline): Uncertain significance (1 of 4 stars; one submission).

Conditions:
Nemaline myopathy 5 (NEM5A). Also called: NEMALINE MYOPATHY, AMISH TYPE; Nemaline myopathy 5, Amish type; NEMALINE MYOPATHY 5A, AUTOSOMAL RECESSIVE, SEVERE INFANTILE. Identifiers: Orphanet 98902, MedGen C1854380, MONDO:0011539, OMIM 605355.

Allele frequency attached by ClinVar (database versions not stated): gnomAD 0.00001.
gnomAD v4.1: 1 of 1,612,798 alleles (0.000062%); highest among the groups gnomAD compares: African/African-American, 0.0013%; no homozygotes.

Submission:

Labcorp Genetics (formerly Invitae), Labcorp
Classification: Uncertain significance for Nemaline myopathy 5. Last evaluated: 2024-10-15. Review status: criteria provided, single submitter. Criteria: Invitae Variant Classification Sherloc (09022015). Collection method: clinical testing. Allele origin: germline.
Comment: This sequence change replaces methionine, which is neutral and non-polar, with isoleucine, which is neutral and non-polar, at codon 241 of the TNNT1 protein (p.Met241Ile). This variant is not present in population databases (gnomAD no frequency). This variant has not been reported in the literature in individuals affected with TNNT1-related conditions. ClinVar contains an entry for this variant (Variation ID: 962709). Invitae Evidence Modeling of protein sequence and biophysical properties (such as structural, functional, and spatial information, amino acid conservation, physicochemical variation, residue mobility, and thermodynamic stability) indicates that this missense variant is not expected to disrupt TNNT1 protein function with a negative predictive value of 80%. In summary, the available evidence is currently insufficient to determine the role of this variant in disease. Therefore, it has been classified as a Variant of Uncertain Significance.

NM_003283.6(TNNT1):c.723G>A (p.Met241Ile)

Gene: TNNT1 (troponin T1, slow skeletal type; minus strand). Cytogenetic location: 19q13.42.
Variant type: single nucleotide variant.
Coding change: c.723G>A on transcript NM_003283.6 (MANE Select); coding-DNA position 723, G replaced by A.
Protein change: p.Met241Ile; replaces methionine 241 with isoleucine.
Molecular consequence: missense variant.
Genome position (GRCh38, 1-based): chr19:55,134,093, C>T on the plus strand (G>A on the coding strand, the complement: TNNT1 is on the minus strand). VCF-style: chr19-55134093-C-T. GRCh37 (hg19) VCF-style: chr19-55645461-C-T.
Other names: c.675G>A, p.Met225Ile (NM_001126132.3); c.642G>A, p.Met214Ile (NM_001126133.3, NM_001291774.2); short protein forms M241I, M214I, M225I.
Identifiers: ClinVar variation 962709 (VCV000962709.10), dbSNP rs2085298945, ClinGen allele CA407431619.